The following is an entry in ClinVar:

NM_018979.4(WNK1):c.5584-5A>G

Gene: WNK1 (WNK lysine deficient protein kinase 1; plus strand). Cytogenetic location: 12p13.33.
Variant type: single nucleotide variant.
Coding change: c.5584-5A>G on transcript NM_018979.4 (MANE Select); 5 bases into the intron before coding-DNA position 5584, A replaced by G.
Molecular consequence: intron variant.
Genome position (GRCh38, 1-based): chr12:896,066, A>G. VCF-style: chr12-896066-A-G. GRCh37 (hg19) VCF-style: chr12-1005232-A-G.
Other names: c.6340-5A>G (NM_213655.5); c.6364-5A>G (NM_001184985.2); c.4840-5A>G (NM_014823.3).
Identifiers: ClinVar variation 1095959 (VCV001095959.12), dbSNP rs771801197, ClinGen allele CA6383251.
Genomic context (GRCh38, chr12:896,066, plus strand): 5'-AATTGTCTGTGATAGAAATTGGATATTGAGAACTTAAGTTTTTAATCTTTGTCCTTTTTT[A>G]TCAGGTTTCTGTTGCAGCAGACGGTGCCCAGAAAGAGGGTAAAAATAAGTCAGAAGATGC-3'

ClinVar aggregate classification (germline): Conflicting classifications of pathogenicity. Review status: criteria provided, conflicting classifications (1 of 4 stars). 3 submissions from 3 submitters: Uncertain significance (1); Likely benign (2). Last evaluated 2024-02-17.

Conditions:
Inborn genetic diseases. Identifiers: MedGen C0950123, MeSH D030342.
Neuropathy, hereditary sensory and autonomic, type 2A (HSAN2A). Also called: MORVAN DISEASE; NEUROPATHY, CONGENITAL SENSORY; NEUROPATHY, HEREDITARY SENSORY RADICULAR, AUTOSOMAL RECESSIVE; NEUROPATHY, HEREDITARY SENSORY, TYPE IIA; NEUROPATHY, PROGRESSIVE SENSORY, OF CHILDREN; WNK1-Related HSAN2 (HSAN2A). Identifiers: Orphanet 970, MedGen C2752089, MONDO:0024309, OMIM 201300.
Pseudohypoaldosteronism type 2C (PHA2C). Also called: Pseudohypoaldosteronism Type IIC. Identifiers: Orphanet 757, Orphanet 88940, MedGen C1840391, MONDO:0013778, OMIM 614492.

Allele frequency attached by ClinVar (database versions not stated): ExAC 0.00001; gnomAD 0.00001; gnomAD exomes 0.00001; TOPMed 0.00001.

Submissions (3):

Labcorp Genetics (formerly Invitae), Labcorp
Classification: Likely benign for Neuropathy, hereditary sensory and autonomic, type 2A; Pseudohypoaldosteronism type 2C. Last evaluated: 2024-02-17. Review status: criteria provided, single submitter. Criteria: Invitae Variant Classification Sherloc (09022015). Collection method: clinical testing. Allele origin: germline.

Fulgent Genetics
Classification: Likely benign for Neuropathy, hereditary sensory and autonomic, type 2A; Pseudohypoaldosteronism type 2C. Last evaluated: 2022-04-27. Review status: criteria provided, single submitter. Criteria: ACMG Guidelines, 2015. Collection method: clinical testing. Allele origin: unknown.

Ambry Genetics
Classification: Uncertain significance for Inborn genetic diseases. Last evaluated: 2020-12-22. Review status: criteria provided, single submitter. Criteria: Ambry Variant Classification Scheme 2023. Collection method: clinical testing. Allele origin: germline.
Comment: The c.6340-5A>G intronic variant results from an A to G substitution 5 nucleotides upstream from coding exon 24 in the WNK1 gene. This nucleotide position is not well conserved in available vertebrate species. In silico splice site analysis predicts that this alteration will not have any significant effect on splicing. Since supporting evidence is limited at this time, the clinical significance of this alteration remains unclear.